The following is an entry in ClinVar:

NM_014014.5(SNRNP200):c.841G>C (p.Val281Leu)

Gene: SNRNP200 (small nuclear ribonucleoprotein U5 subunit 200; minus strand). Cytogenetic location: 2q11.2.
Variant type: single nucleotide variant.
Coding change: c.841G>C on transcript NM_014014.5 (MANE Select); coding-DNA position 841, G replaced by C.
Protein change: p.Val281Leu; replaces valine 281 with leucine.
Molecular consequence: missense variant.
Genome position (GRCh38, 1-based): chr2:96,298,856, C>G on the plus strand (G>C on the coding strand, the complement: SNRNP200 is on the minus strand). VCF-style: chr2-96298856-C-G. GRCh37 (hg19) VCF-style: chr2-96964594-C-G.
Other names: short protein forms V281L.
Identifiers: ClinVar variation 2757006 (VCV002757006.3), dbSNP rs866936431, ClinGen allele CA347685105.

ClinVar aggregate classification (germline): Uncertain significance (1 of 4 stars; one submission).

Submission:

Labcorp Genetics (formerly Invitae), Labcorp
Classification: Uncertain significance. Last evaluated: 2024-03-23. Review status: criteria provided, single submitter. Criteria: Invitae Variant Classification Sherloc (09022015). Collection method: clinical testing. Allele origin: germline.
Comment: This sequence change replaces valine, which is neutral and non-polar, with leucine, which is neutral and non-polar, at codon 281 of the SNRNP200 protein (p.Val281Leu). This variant is not present in population databases (gnomAD no frequency). This missense change has been observed in individual(s) with autosomal dominant retinitis pigmentosa (Invitae). Advanced modeling of protein sequence and biophysical properties (such as structural, functional, and spatial information, amino acid conservation, physicochemical variation, residue mobility, and thermodynamic stability) performed at Invitae indicates that this missense variant is not expected to disrupt SNRNP200 protein function with a negative predictive value of 80%. In summary, the available evidence is currently insufficient to determine the role of this variant in disease. Therefore, it has been classified as a Variant of Uncertain Significance.